The following is an entry in ClinVar:

ClinVar aggregate classification (germline): Likely benign (1 of 4 stars; one submission).

Allele frequency attached by ClinVar (database versions not stated): gnomAD exomes below 0.00001.
gnomAD v4.1: 1 of 1,613,160 alleles (0.000062%); highest among the groups gnomAD compares: Non-Finnish European, 0.000085%; no homozygotes.

Submission:

GeneDx
Classification: Likely benign. Last evaluated: 2016-09-26. Review status: criteria provided, single submitter. Criteria: GeneDx Variant Classification (06012015). Collection method: clinical testing. Allele origin: germline. Affected: yes.
Comment: This variant is considered likely benign or benign based on one or more of the following criteria: it is a conservative change, it occurs at a poorly conserved position in the protein, it is predicted to be benign by multiple in silico algorithms, and/or has population frequency not consistent with disease.

NM_015346.4(ZFYVE26):c.3846T>G (p.Pro1282=)

Gene: ZFYVE26 (zinc finger FYVE-type containing 26; minus strand). Cytogenetic location: 14q24.1.
Variant type: single nucleotide variant.
Coding change: c.3846T>G on transcript NM_015346.4 (MANE Select); coding-DNA position 3846, T replaced by G.
Protein change: p.Pro1282=; no amino-acid change (proline 1282 retained).
Molecular consequence: synonymous variant.
Genome position (GRCh38, 1-based): chr14:67,783,306, A>C on the plus strand (T>G on the coding strand, the complement: ZFYVE26 is on the minus strand). VCF-style: chr14-67783306-A-C. GRCh37 (hg19) VCF-style: chr14-68250023-A-C.
Identifiers: ClinVar variation 389508 (VCV000389508.1), dbSNP rs1057523453, ClinGen allele CA16607668.